The following is an entry in ClinVar:

ClinVar aggregate classification (germline): Pathogenic/Likely pathogenic. Review status: criteria provided, multiple submitters, no conflicts (2 of 4 stars). 2 submissions from 2 submitters: Pathogenic (1); Likely pathogenic (1). Last evaluated 2019-05-01.

Conditions:
Hereditary cancer-predisposing syndrome. Also called: Neoplastic Syndromes, Hereditary; Tumor predisposition; Hereditary Cancer Syndrome; Hereditary neoplastic syndrome. Identifiers: Orphanet 140162, MedGen C0027672, MeSH D009386, MONDO:0015356.
Hereditary breast ovarian cancer syndrome. Also called: Hereditary breast and/or ovarian cancer syndrome; BRCA1- and BRCA2-Associated Hereditary Breast and Ovarian Cancer; Hereditary breast and ovarian cancer syndrome; Hereditary breast and ovarian cancer; Hereditary breast and ovarian cancer syndrome (HBOC); Breast and ovarian cancer. Identifiers: Orphanet 145, MedGen C0677776, MeSH D061325, MONDO:0003582. Disease mechanism: loss of function.

Submissions (2):

Cancer Genomics Group, Japanese Foundation For Cancer Research
Classification: Likely pathogenic for Hereditary breast and ovarian cancer syndrome. Last evaluated: 2019-05-01. Review status: criteria provided, single submitter. Criteria: ACMG Guidelines, 2015. Collection method: research. Allele origin: germline. Affected: yes.

Ambry Genetics
Classification: Pathogenic for Hereditary cancer-predisposing syndrome. Last evaluated: 2018-12-28. Review status: criteria provided, single submitter. Criteria: Ambry Variant Classification Scheme 2023. Collection method: clinical testing. Allele origin: germline.
Comment: The c.242dupA pathogenic mutation, located in coding exon 3 of the ATM gene, results from a duplication of A at nucleotide position 242, causing a translational frameshift with a predicted alternate stop codon (p.N81Kfs*19). This alteration is expected to result in loss of function by premature protein truncation or nonsense-mediated mRNA decay. As such, this alteration is interpreted as a disease-causing mutation.

NM_000051.4(ATM):c.242dup (p.Asn81fs)

Gene: ATM (ATM serine/threonine kinase; plus strand). Cytogenetic location: 11q22.3.
Variant type: Duplication.
Coding change: c.242dup on transcript NM_000051.4 (MANE Select); coding-DNA position 242, one base duplicated (A; older notation c.242dupA).
Protein change: p.Asn81fs; shifts the reading frame from asparagine 81.
Molecular consequence: frameshift variant.
Genome position (GRCh38, 1-based): chr11:108,229,234, A duplicated; the last of 3 consecutive A bases (chr11:108,229,232-108,229,234); duplicating any one gives the same sequence. VCF-style (leftmost placement, unchanged base first): chr11-108229231-C-CA. GRCh37 (hg19) VCF-style: chr11-108099958-C-CA.
Other names: c.242dup, p.Asn81fs (NM_001351834.2, NM_001351835.2, NM_001351836.2); short protein forms N81fs.
Identifiers: ClinVar variation 821261 (VCV000821261.6), dbSNP rs1591451795, ClinGen allele CA915947708.
Genomic context (GRCh38, chr11:108,229,231, plus strand): 5'-CTTGAAGATTTTTACAGAAATATATTCAGAAAGAAACAGAATGTCTGAGAATAGCAAAAC[C>CA]AAATGTATCAGCCTCAACACAAGCCTCCAGGCAGAAAAAGATGCAGGAAATCAGTAGTTT-3'